The following is an entry in ClinVar:

NM_004260.4(RECQL4):c.2030C>G (p.Ser677Cys)

Gene: RECQL4 (RecQ like helicase 4; minus strand). Cytogenetic location: 8q24.3.
Variant type: single nucleotide variant.
Coding change: c.2030C>G on transcript NM_004260.4 (MANE Select); coding-DNA position 2030, C replaced by G.
Protein change: p.Ser677Cys; replaces serine 677 with cysteine.
Molecular consequence: missense variant.
Genome position (GRCh38, 1-based): chr8:144,513,956, G>C on the plus strand (C>G on the coding strand, the complement: RECQL4 is on the minus strand). VCF-style: chr8-144513956-G-C. GRCh37 (hg19) VCF-style: chr8-145739340-G-C.
Other names: c.2030C>G (NM_004260.3); short protein forms S677C.
Identifiers: ClinVar variation 1064366 (VCV001064366.7), dbSNP rs1340252869, ClinGen allele CA372680274.

ClinVar aggregate classification (germline): Uncertain significance. Review status: criteria provided, multiple submitters, no conflicts (2 of 4 stars). 2 submissions from 2 submitters: Uncertain significance (2). Last evaluated 2024-12-30.

Conditions:
Inborn genetic diseases. Identifiers: MedGen C0950123, MeSH D030342.
Baller-Gerold syndrome (BGS). Also called: CRANIOSYNOSTOSIS WITH RADIAL DEFECTS. Identifiers: Orphanet 1225, MedGen C0265308, MONDO:0009039, OMIM 218600.

Allele frequency attached by ClinVar (database versions not stated): TOPMed below 0.00001; gnomAD 0.00001; gnomAD exomes 0.00001.

Submissions (2):

Ambry Genetics
Classification: Uncertain significance for Inborn genetic diseases. Last evaluated: 2024-12-30. Review status: criteria provided, single submitter. Criteria: Ambry Variant Classification Scheme 2023. Collection method: clinical testing. Allele origin: germline.
Comment: The p.S677C variant (also known as c.2030C>G), located in coding exon 12 of the RECQL4 gene, results from a C to G substitution at nucleotide position 2030. The serine at codon 677 is replaced by cysteine, an amino acid with dissimilar properties. This amino acid position is conserved. In addition, this alteration is predicted to be deleterious by in silico analysis. Based on the available evidence, the clinical significance of this variant remains unclear.

Labcorp Genetics (formerly Invitae), Labcorp
Classification: Uncertain significance for Baller-Gerold syndrome. Last evaluated: 2024-02-01. Review status: criteria provided, single submitter. Criteria: Invitae Variant Classification Sherloc (09022015). Collection method: clinical testing. Allele origin: germline.
Comment: This sequence change replaces serine, which is neutral and polar, with cysteine, which is neutral and slightly polar, at codon 677 of the RECQL4 protein (p.Ser677Cys). This variant is present in population databases (no rsID available, gnomAD 0.007%). This variant has not been reported in the literature in individuals affected with RECQL4-related conditions. ClinVar contains an entry for this variant (Variation ID: 1064366). Advanced modeling of protein sequence and biophysical properties (such as structural, functional, and spatial information, amino acid conservation, physicochemical variation, residue mobility, and thermodynamic stability) performed at Invitae indicates that this missense variant is expected to disrupt RECQL4 protein function with a positive predictive value of 80%. In summary, the available evidence is currently insufficient to determine the role of this variant in disease. Therefore, it has been classified as a Variant of Uncertain Significance.